The following is an entry in ClinVar:

ClinVar aggregate classification (germline): Uncertain significance (1 of 4 stars; one submission).

Conditions:
Galactosylceramide beta-galactosidase deficiency. Also called: Leukodystrophy, Globoid Cell; GALACTOCEREBROSIDASE DEFICIENCY; GALC DEFICIENCY; GLOBOID CELL LEUKOENCEPHALOPATHY; Krabbe Disease. Identifiers: Orphanet 487, MedGen C0023521, MONDO:0009499, OMIM 245200.

gnomAD v4.1: 1 of 1,611,954 alleles (0.000062%); no homozygotes.

Submission:

Centre for Mendelian Genomics, University Medical Centre Ljubljana
Classification: Uncertain significance for Galactosylceramide beta-galactosidase deficiency. Last evaluated: 2019-04-09. Review status: criteria provided, single submitter. Criteria: ACMG Guidelines, 2015. Collection method: clinical testing. Allele origin: unknown. Affected: yes.
Comment: This variant was classified as: Uncertain significance. The available evidence on this variant's pathogenicity is insufficient or conflicting. The following ACMG criteria were applied in classifying this variant: PM2.

NM_000153.4(GALC):c.1042A>G (p.Thr348Ala)

Gene: GALC (galactosylceramidase; minus strand). Cytogenetic location: 14q31.3.
Variant type: single nucleotide variant.
Coding change: c.1042A>G on transcript NM_000153.4 (MANE Select); coding-DNA position 1042, A replaced by G.
Protein change: p.Thr348Ala; replaces threonine 348 with alanine.
Molecular consequence: missense variant.
Genome position (GRCh38, 1-based): chr14:87,963,503, T>C on the plus strand (A>G on the coding strand, the complement: GALC is on the minus strand). VCF-style: chr14-87963503-T-C. GRCh37 (hg19) VCF-style: chr14-88429847-T-C.
Other names: c.973A>G, p.Thr325Ala (NM_001201401.2); c.964A>G, p.Thr322Ala (NM_001201402.2); short protein forms T325A, T322A, T348A.
Identifiers: ClinVar variation 931172 (VCV000931172.3), dbSNP rs200516260, ClinGen allele CA390747369.
Genomic context (GRCh38, chr14:87,963,503, plus strand): 5'-CTCCTTTCTCTAAATGGCCAACTGTCTTCAGGTAATACCAGCCAGGTTGAGTAAACTGAG[T>C]GGTATGAGCTATAGAAAAACAGAAAGTTCCAAATAAGACAAAAATGGTAATAATAGTATT-3'
Protein context (NP_000144.2, residues 338-358): ESPVWVSAHT[Thr348Ala]QFTQPGWYYL